The following is an entry in ClinVar:

NM_004415.4(DSP):c.729C>T (p.Arg243=)

Gene: DSP (desmoplakin; plus strand). Cytogenetic location: 6p24.3.
Variant type: single nucleotide variant.
Coding change: c.729C>T on transcript NM_004415.4 (MANE Select); coding-DNA position 729, C replaced by T.
Protein change: p.Arg243=; no amino-acid change (arginine 243 retained).
Molecular consequence: synonymous variant.
Genome position (GRCh38, 1-based): chr6:7,563,738, C>T. VCF-style: chr6-7563738-C-T. GRCh37 (hg19) VCF-style: chr6-7563971-C-T.
Other names: c.729C>T, p.Arg243= (NM_001008844.3, NM_001319034.2); c.729C>T (LRG_423t1, NM_004415.3).
Identifiers: ClinVar variation 377807 (VCV000377807.60), dbSNP rs141028505, ClinGen allele CA049659.

ClinVar aggregate classification (germline): Likely benign. Review status: criteria provided, multiple submitters, no conflicts (2 of 4 stars). 8 submissions from 8 submitters: Likely benign (7). 1 of the submissions does not count toward it. Last evaluated 2025-12-20.

Conditions:
DSP-related disorder. Also called: DSP-related disorders; DSP-related condition.
Arrhythmogenic right ventricular dysplasia 8 (ARVD8). Also called: Arrhythmogenic Right Ventricular Dysplasia/Cardiomyopathy 8; ARRHYTHMOGENIC RIGHT VENTRICULAR DYSPLASIA, FAMILIAL, 8; ARRHYTHMOGENIC RIGHT VENTRICULAR CARDIOMYOPATHY 8. Identifiers: MedGen C1843896, MONDO:0011831, OMIM 607450.
Arrhythmogenic cardiomyopathy with wooly hair and keratoderma. Also called: PALMOPLANTAR KERATODERMA WITH LEFT VENTRICULAR CARDIOMYOPATHY AND WOOLLY HAIR; Arrhythmogenic cardiomyopathy with woolly hair and keratoderma; Carvajal syndrome; Dilated cardiomyopathy with woolly hair and keratoderma. Identifiers: Orphanet 65282, MedGen C1854063, MONDO:0011581, OMIM 605676.
Cardiomyopathy (CMYO). Also called: Cardiomyopathies. Identifiers: Orphanet 167848, MedGen C0878544, MONDO:0004994, HP:0001638. Inheritance: Various modes of inheritance.
Cardiovascular phenotype. Identifiers: MedGen CN230736.

Allele frequency attached by ClinVar (database versions not stated): gnomAD 0.00006; TOPMed 0.00006; ExAC 0.00014; ESP Exome Variant Server 0.00015; 1000 Genomes Project 30x 0.00047; 1000 Genomes Project 0.00060.

Submissions (8):

Labcorp Genetics (formerly Invitae), Labcorp
Classification: Likely benign for Arrhythmogenic cardiomyopathy with wooly hair and keratoderma; Arrhythmogenic right ventricular dysplasia 8. Last evaluated: 2025-12-20. Review status: criteria provided, single submitter. Criteria: Invitae Variant Classification Sherloc (09022015). Collection method: clinical testing. Allele origin: germline.

Blueprint Genetics
Classification: Likely benign. Last evaluated: 2023-07-27. Review status: criteria provided, single submitter. Criteria: ACMG Guidelines, 2015. Collection method: clinical testing. Allele origin: germline.

CHEO Genetics Diagnostic Laboratory, Children's Hospital of Eastern Ontario
Classification: Likely benign for Cardiomyopathy. Last evaluated: 2022-10-19. Review status: criteria provided, single submitter. Criteria: ACMG Guidelines, 2015. Collection method: clinical testing. Allele origin: germline.

CeGaT Center for Human Genetics Tuebingen
Classification: Likely benign. Last evaluated: 2022-03-01. Review status: criteria provided, single submitter. Criteria: CeGaT Center For Human Genetics Tuebingen Variant Classification Criteria Version 2. Collection method: clinical testing. Allele origin: germline. Affected: yes. Observed: 2 variant alleles.
Comment: DSP: BP4, BP7

Ambry Genetics
Classification: Likely benign for Cardiovascular phenotype. Last evaluated: 2020-07-10. Review status: criteria provided, single submitter. Criteria: Ambry Variant Classification Scheme 2023. Collection method: clinical testing. Allele origin: germline.

GeneDx
Classification: Likely benign. Last evaluated: 2018-10-12. Review status: criteria provided, single submitter. Criteria: GeneDx Variant Classification Process June 2021. Collection method: clinical testing. Allele origin: germline. Affected: yes.

Color Diagnostics, LLC DBA Color Health
Classification: Likely benign for Cardiomyopathy. Last evaluated: 2018-06-18. Review status: criteria provided, single submitter. Criteria: ACMG Guidelines, 2015. Collection method: clinical testing. Allele origin: germline.

PreventionGenetics, part of Exact Sciences
Classification: Likely benign for DSP-related condition. Last evaluated: 2022-09-07. Review status: no assertion criteria provided. Collection method: clinical testing. Allele origin: germline. Not counted in ClinVar's aggregate classification.
Comment: This variant is classified as likely benign based on ACMG/AMP sequence variant interpretation guidelines (Richards et al. 2015 PMID: 25741868, with internal and published modifications).